The following is an entry in ClinVar:

ClinVar aggregate classification (germline): Uncertain significance (1 of 4 stars; one submission).

Conditions:
BBS9-related disorder. Also called: BBS9-related condition.

Submission:

PreventionGenetics, part of Exact Sciences
Classification: Uncertain significance for BBS9-related condition. Last evaluated: 2025-04-02. Review status: criteria provided, single submitter. Criteria: ACMG Guidelines, 2015. Collection method: clinical testing. Allele origin: germline.
Comment: The BBS9 c.2559A>C variant is predicted to result in the amino acid substitution p.Glu853Asp. To our knowledge, this variant has not been reported in the literature or in a large population database (gnomAD), indicating this variant is rare. At this time, the clinical significance of this variant is uncertain due to the absence of conclusive functional and genetic evidence.

NM_198428.3(BBS9):c.2559A>C (p.Glu853Asp)

Gene: BBS9 (Bardet-Biedl syndrome 9; plus strand). Cytogenetic location: 7p14.3.
Variant type: single nucleotide variant.
Coding change: c.2559A>C on transcript NM_198428.3 (MANE Select); coding-DNA position 2559, A replaced by C.
Protein change: p.Glu853Asp; replaces glutamic acid 853 with aspartic acid.
Molecular consequence: missense variant. On other transcripts: non-coding transcript variant (3), intron variant (1).
Genome position (GRCh38, 1-based): chr7:33,604,902, A>C. VCF-style: chr7-33604902-A-C. GRCh37 (hg19) VCF-style: chr7-33644514-A-C.
Other names: c.2454A>C, p.Glu818Asp (NM_001033604.2); c.2544A>C, p.Glu848Asp (NM_001033605.2); c.2559A>C, p.Glu853Asp (NM_001348036.1, NM_001348041.4, NM_001348043.3); c.2010A>C, p.Glu670Asp (NM_001348037.3); c.2286A>C, p.Glu762Asp (NM_001348038.3); c.2181A>C, p.Glu727Asp (NM_001348039.3); c.2439A>C, p.Glu813Asp (NM_001348040.3, NM_014451.4); c.2424A>C, p.Glu808Asp (NM_001348042.3); and 3 more; short protein forms E808D, E848D, E853D, E762D, E818D, E696D, E727D, E813D.
Identifiers: ClinVar variation 4997492 (VCV004997492.1).